The following is an entry in ClinVar:

ClinVar aggregate classification (germline): Likely pathogenic. Review status: reviewed by expert panel (3 of 4 stars). 9 submissions from 9 submitters: Likely pathogenic (1). 8 of the submissions do not count toward it. Last evaluated 2020-02-27.

Conditions:
BRAF-related disorder. Also called: BRAF-related condition.
Cardio-facio-cutaneous syndrome. Also called: Cardiofaciocutaneous syndrome; CFC syndrome. Identifiers: Orphanet 1340, MedGen C1275081, MONDO:0015280. Disease mechanism: gain of function.
Noonan syndrome 1 (NS1). Also called: FEMALE PSEUDO-TURNER SYNDROME; TURNER PHENOTYPE WITH NORMAL KARYOTYPE; PTPN11-Related Noonan Syndrome. Identifiers: Orphanet 648, MedGen C4551602, MONDO:0008104, OMIM 163950. Disease mechanism: gain of function.
Colorectal cancer. Also called: Colorectal cancer, somatic; Malignant Colorectal Neoplasm. Identifiers: MedGen C0346629, MONDO:0005575, OMIM 114500.
Cardiofaciocutaneous syndrome 1 (CFC1). Also called: BRAF-Related Cardiofaciocutaneous Syndrome. Identifiers: Orphanet 1340, MedGen CN029449, MONDO:0007265, OMIM 115150. Disease mechanism: gain of function.
LEOPARD syndrome 3 (LPRD3). Identifiers: Orphanet 500, MedGen C3150971, MONDO:0013380, OMIM 613707.
Noonan syndrome 7 (NS7). Also called: BRAF-Related Noonan Syndrome. Identifiers: Orphanet 648, MedGen C3150970, MONDO:0013379, OMIM 613706.
Melanoma, cutaneous malignant, susceptibility to, 1 (CMM1). Also called: MELANOMA, MALIGNANT; B-K MOLE SYNDROME; DYSPLASTIC NEVUS SYNDROME, HEREDITARY; FAMILIAL ATYPICAL MOLE-MALIGNANT MELANOMA SYNDROME. Identifiers: Orphanet 618, MedGen C1835047, MONDO:0007963, OMIM 155600.
Lung cancer. Also called: Lung cancer, somatic; Malignant tumor of lung. Identifiers: MedGen C0242379, MONDO:0008903, OMIM 211980.
Noonan syndrome and Noonan-related syndrome. Identifiers: Orphanet 98733, MedGen C5681679, MONDO:0020297.
RASopathy. Also called: rasopathies; Noonan spectrum disorder. Identifiers: Orphanet 536391, MedGen C5555857, MONDO:0021060.

Allele frequency attached by ClinVar (database versions not stated): gnomAD exomes below 0.00001.
gnomAD v4.1: 1 of 1,613,374 alleles (0.000062%); highest among the groups gnomAD compares: Non-Finnish European, 0.000085%; no homozygotes.

Submissions (9):

ClinGen RASopathy Variant Curation Expert Panel
Classification: Likely pathogenic for RASopathy. Last evaluated: 2020-02-27. Review status: reviewed by expert panel. Criteria: ClinGen RASopathy ACMG Specifications v1. Collection method: curation. Allele origin: germline. Inheritance: Autosomal dominant inheritance.
Comment: The c.1454T>C (p.Leu485Ser) variant in BRAF is absent from gnomAD (PM2). It has been identified in at least 4 patients clinically diagnosed with Cardiofaciocutaneous syndrome (CFC) (PS4_Moderate; 18039235, 21871821, 20395089, SCV000197150.4). The variant is located in the BRAF gene, which has been defined by the ClinGen RASopathy Expert Panel as a gene with a low rate of benign missense variants and pathogenic missense variants are common (PP2; PMID: 29493581). Additionally, computational prediction tools and conservation analysis suggest that p.Leu485Ser may affect the protein (PP3). Two different pathogenic missense variants have been previously identified at this codon of BRAF, each resulting in p.Leu485Phe, which supports that this residue may be critical to the function of the protein (PM5; ClinVar 177844, 13975). A functional assay has been performed on this variant, but given that it is not currently an approved assay outlined by the RASopathy VCEP, it has not been assessed for PS3 at this time (PMID:16474404). In summary, this variant meets criteria to be classified as likely pathogenic for RASopathies in an autosomal dominant manner. RASopathy-specific ACMG/AMP criteria applied (PMID:29493581): PM2, PS4_Moderate, PP2, PP3, PM5.

3billion
Classification: Likely pathogenic for Cardiofaciocutaneous syndrome 1. Last evaluated: 2025-07-02. Review status: criteria provided, single submitter. Criteria: ACMG Guidelines, 2015. Collection method: clinical testing. Allele origin: germline. Affected: yes. Not counted in ClinVar's aggregate classification.
Comment: The variant is observed at an extremely low frequency in the gnomAD v4.1.0 dataset (total allele frequency: <0.001%). Predicted Consequence/Location: Missense variant. Missense changes are a common disease-causing mechanism. Functional studies provide strong evidence of the variant having a damaging effect on the gene or gene product (PMID: 16474404). In silico tool predictions suggest damaging effect of the variant on gene or gene product [REVEL: 0.96 (>=0.6, sensitivity 0.68 and specificity 0.92); 3Cnet: 1.00 (> 0.75, sensitivity 0.96 and precision 0.92)]. The same nucleotide change resulting in the same amino acid change has been previously reported as pathogenic/likely pathogenic with strong evidence (ClinVar ID: VCV000040370 /PMID: 18413255). The variant has been observed in at least two similarly affected unrelated individuals (PMID: 18039235, 20395089, 21871821). Different missense changes at the same codon (p.Leu485Phe, p.Leu485Trp) have been reported as pathogenic/likely pathogenic with strong evidence (ClinVar ID: VCV000013975, VCV000177844, VCV001325840 /PMID: 16474404, 28524057 /3billion dataset). Therefore, this variant is classified as Likely pathogenic according to the recommendation of ACMG/AMP guideline.

Blueprint Genetics
Classification: Likely pathogenic for BRAF-related disorders. Last evaluated: 2023-11-22. Review status: criteria provided, single submitter. Criteria: ACMG Guidelines, 2015. Collection method: clinical testing. Allele origin: germline. Affected: yes. Observed: 1 variant allele. Not counted in ClinVar's aggregate classification.

GeneDx
Classification: Pathogenic. Last evaluated: 2023-07-11. Review status: criteria provided, single submitter. Criteria: GeneDx Variant Classification Process June 2021. Collection method: clinical testing. Allele origin: germline. Affected: yes. Not counted in ClinVar's aggregate classification.
Comment: Not observed at significant frequency in large population cohorts (gnomAD); In silico analysis supports that this missense variant has a deleterious effect on protein structure/function; This variant is associated with the following publications: (PMID: 16474404, 18039235, 21871821, 18413255, 24803665, 20395089)

Fulgent Genetics
Classification: Likely pathogenic for Colorectal cancer; Cardiofaciocutaneous syndrome 1; Melanoma, cutaneous malignant, susceptibility to, 1; Noonan syndrome 1; Lung cancer; Noonan syndrome 7; LEOPARD syndrome 3. Last evaluated: 2022-03-10. Review status: criteria provided, single submitter. Criteria: ACMG Guidelines, 2015. Collection method: clinical testing. Allele origin: unknown. Not counted in ClinVar's aggregate classification.

Revvity Omics, Revvity
Classification: Likely pathogenic. Last evaluated: 2021-04-22. Review status: criteria provided, single submitter. Criteria: ACMG Guidelines, 2015. Collection method: clinical testing. Allele origin: germline. Not counted in ClinVar's aggregate classification.

Women's Health and Genetics/Laboratory Corporation of America, LabCorp
Classification: Likely pathogenic for Cardio-facio-cutaneous syndrome. Last evaluated: 2019-08-19. Review status: criteria provided, single submitter. Criteria: LabCorp Variant Classification Summary - May 2015. Collection method: clinical testing. Allele origin: germline. Not counted in ClinVar's aggregate classification.
Comment: Variant summary: BRAF c.1454T>C (p.Leu485Ser) results in a non-conservative amino acid change located in the catalytic domain (IPR001245) of the encoded protein sequence. Four of five in-silico tools predict a damaging effect of the variant on protein function. The variant was absent in 251326 control chromosomes (gnomAD). c.1454T>C has been reported in the literature in individuals affected with Cardio-facio-cutaneous syndrome (Yoon_2007, Aizaki_2011, Adachi_2012); of note, all of these reported individuals had severe seizure disorders. These data indicate that the variant may be associated with disease. Other missense variants affecting this residue (Leu485Phe, Leu485del) has been reported in patients (HGMD and PMID: 30842599), supporting the functional importance of this amino acid. Publications reported experimental evidence and demonstrated that the variant altered gene expression signatures similar to KRAS activation (Berger_2016), and also modified the synaptic signal transduction cascade (Lim_2017). One clinical diagnostic laboratory has submitted clinical-significance assessments for this variant to ClinVar after 2014 without evidence for independent evaluation, and classified the variant as pathogenic. Based on the evidence outlined above, the variant was classified as likely pathogenic.

Genome Diagnostics Laboratory, The Hospital for Sick Children
Classification: Likely pathogenic for Noonan syndrome and Noonan-related syndrome. Last evaluated: 2018-04-01. Review status: criteria provided, single submitter. Criteria: ACMG Guidelines, 2015. Collection method: clinical testing. Allele origin: germline. Affected: yes. Not counted in ClinVar's aggregate classification.

Laboratory for Molecular Medicine, Mass General Brigham Personalized Medicine
Classification: Likely pathogenic for Cardio-facio-cutaneous syndrome. Last evaluated: 2014-10-06. Review status: criteria provided, single submitter. Criteria: LMM Criteria. Collection method: clinical testing. Allele origin: germline. Inheritance: Autosomal dominant inheritance. Observed: 1 variant allele. Not counted in ClinVar's aggregate classification.
Comment: The Leu485Ser variant in BRAF has been reported in 3 individuals with Cardio-fac io-cutaneous syndrome. All of these individuals had severe seizure disorders (Yo on 2007, Aizaki 2011, Adachi, 2012). It was absent from large population studies . In addition, another variant (Leu485Phe) at this position was identified in > 5 individuals with a RASopathy suggesting that changes at this position are not tolerated. Computational prediction tools and conservation analysis suggest that the Leu485Ser variant may impact the protein, though this information is not pr edictive enough to determine pathogenicity. In summary, although additional stud ies are required to fully establish its clinical significance, the Leu485Ser var iant is likely pathogenic.

Literature cited by the submitters: PubMed 20395089 (cited by 4 submitters); PubMed 21871821 (cited by 4 submitters); PubMed 18039235 (cited by 4 submitters); PubMed 16474404 (cited by 3billion); PubMed 18413255 (cited by 3billion and Women's Health and Genetics/Laboratory Corporation of America, LabCorp); PubMed 27478040 (cited by Women's Health and Genetics/Laboratory Corporation of America, LabCorp); PubMed 28404629 (cited by Women's Health and Genetics/Laboratory Corporation of America, LabCorp).

NM_004333.6(BRAF):c.1454T>C (p.Leu485Ser)

Gene: BRAF (B-Raf proto-oncogene, serine/threonine kinase; minus strand). Cytogenetic location: 7q34.
Variant type: single nucleotide variant.
Coding change: c.1454T>C on transcript NM_004333.6 (MANE Select); coding-DNA position 1454, T replaced by C.
Protein change: p.Leu485Ser; replaces leucine 485 with serine.
Molecular consequence: missense variant.
Genome position (GRCh38, 1-based): chr7:140,778,054, A>G on the plus strand (T>C on the coding strand, the complement: BRAF is on the minus strand). VCF-style: chr7-140778054-A-G. GRCh37 (hg19) VCF-style: chr7-140477854-A-G.
Other names: p.L485S:TTG>TCG; c.1454T>C, p.Leu485Ser (NM_001354609.2, NM_001378468.1, NM_001378474.1); c.1574T>C, p.Leu525Ser (NM_001374244.1, NM_001374258.1); c.1463T>C, p.Leu488Ser (NM_001378467.1); c.1388T>C, p.Leu463Ser (NM_001378469.1); c.1352T>C, p.Leu451Ser (NM_001378470.1); c.1343T>C, p.Leu448Ser (NM_001378471.1); c.1298T>C, p.Leu433Ser (NM_001378472.1, NM_001378473.1); and 1 more; short protein forms L485S, L397S, L525S, L463S, L433S, L448S, L451S, L488S.
Identifiers: ClinVar variation 40370 (VCV000040370.18), dbSNP rs397507475, ClinGen allele CA280052.